The following is an entry in ClinVar:

NM_173354.5(SIK1):c.1135C>A (p.Leu379Ile)

Gene: SIK1 (salt inducible kinase 1; minus strand). Cytogenetic location: 21q22.3.
Variant type: single nucleotide variant.
Coding change: c.1135C>A on transcript NM_173354.5 (MANE Select); coding-DNA position 1135, C replaced by A.
Protein change: p.Leu379Ile; replaces leucine 379 with isoleucine.
Molecular consequence: missense variant.
Genome position (GRCh38, 1-based): chr21:43,419,463, G>T on the plus strand (C>A on the coding strand, the complement: SIK1 is on the minus strand). VCF-style: chr21-43419463-G-T. GRCh37 (hg19) VCF-style: chr21-44839343-G-T.
Other names: short protein forms L379I.
Identifiers: ClinVar variation 1018938 (VCV001018938.9), dbSNP rs2081047896, ClinGen allele CA410608652.

ClinVar aggregate classification (germline): Uncertain significance (1 of 4 stars; one submission).

Conditions:
Developmental and epileptic encephalopathy, 30 (DEE30). Also called: Epileptic encephalopathy, early infantile, 30. Identifiers: MedGen C4225360, MONDO:0014595, OMIM 616341.

Submission:

Labcorp Genetics (formerly Invitae), Labcorp
Classification: Uncertain significance for Developmental and epileptic encephalopathy, 30. Last evaluated: 2022-08-22. Review status: criteria provided, single submitter. Criteria: Invitae Variant Classification Sherloc (09022015). Collection method: clinical testing. Allele origin: germline.
Comment: In summary, the available evidence is currently insufficient to determine the role of this variant in disease. Therefore, it has been classified as a Variant of Uncertain Significance. Advanced modeling of protein sequence and biophysical properties (such as structural, functional, and spatial information, amino acid conservation, physicochemical variation, residue mobility, and thermodynamic stability) performed at Invitae indicates that this missense variant is not expected to disrupt SIK1 protein function. ClinVar contains an entry for this variant (Variation ID: 1018938). This variant has not been reported in the literature in individuals affected with SIK1-related conditions. This variant is not present in population databases (gnomAD no frequency). This sequence change replaces leucine, which is neutral and non-polar, with isoleucine, which is neutral and non-polar, at codon 379 of the SIK1 protein (p.Leu379Ile).